The following is an entry in ClinVar:

NM_002184.4(IL6ST):c.116A>G (p.Gln39Arg)

Gene: IL6ST (interleukin 6 cytokine family signal transducer; minus strand). Cytogenetic location: 5q11.2.
Variant type: single nucleotide variant.
Coding change: c.116A>G on transcript NM_002184.4 (MANE Select); coding-DNA position 116, A replaced by G.
Protein change: p.Gln39Arg; replaces glutamine 39 with arginine.
Molecular consequence: missense variant. On other transcripts: 5 prime UTR variant (3), non-coding transcript variant (2).
Genome position (GRCh38, 1-based): chr5:55,969,804, T>C on the plus strand (A>G on the coding strand, the complement: IL6ST is on the minus strand). VCF-style: chr5-55969804-T-C. GRCh37 (hg19) VCF-style: chr5-55265632-T-C.
Other names: c.116A>G, p.Gln39Arg (NM_001190981.2, NM_001364275.2, NM_001364276.2 and 1 more transcripts); c.-677A>G (NM_001364277.2, NM_001364279.2); c.-667A>G (NM_001364278.2); short protein forms Q39R.
Identifiers: ClinVar variation 2098846 (VCV002098846.4), dbSNP rs2533573868, ClinGen allele CA359770949.

ClinVar aggregate classification (germline): Uncertain significance (1 of 4 stars; one submission).

Allele frequency attached by ClinVar (database versions not stated): gnomAD exomes below 0.00001.
gnomAD v4.1: 2 of 1,611,422 alleles (0.00012%); highest among the groups gnomAD compares: East Asian, 0.0022%; no homozygotes.

Submission:

Labcorp Genetics (formerly Invitae), Labcorp
Classification: Uncertain significance. Last evaluated: 2025-03-31. Review status: criteria provided, single submitter. Criteria: Invitae Variant Classification Sherloc (09022015). Collection method: clinical testing. Allele origin: germline.
Comment: This sequence change replaces glutamine, which is neutral and polar, with arginine, which is basic and polar, at codon 39 of the IL6ST protein (p.Gln39Arg). This variant is not present in population databases (gnomAD no frequency). This variant has not been reported in the literature in individuals affected with IL6ST-related conditions. ClinVar contains an entry for this variant (Variation ID: 2098846). An algorithm developed to predict the effect of missense changes on protein structure and function outputs the following: PolyPhen-2: "Benign". The arginine amino acid residue is found in multiple mammalian species, which suggests that this missense change does not adversely affect protein function. In summary, the available evidence is currently insufficient to determine the role of this variant in disease. Therefore, it has been classified as a Variant of Uncertain Significance.